The following is an entry in ClinVar:

NM_001130009.3(GEN1):c.2649A>T (p.Lys883Asn)

Gene: GEN1 (GEN1 structure-specific endonuclease; plus strand). Cytogenetic location: 2p24.2.
Variant type: single nucleotide variant.
Coding change: c.2649A>T on transcript NM_001130009.3 (MANE Select); coding-DNA position 2649, A replaced by T.
Protein change: p.Lys883Asn; replaces lysine 883 with asparagine.
Molecular consequence: missense variant.
Genome position (GRCh38, 1-based): chr2:17,781,861, A>T. VCF-style: chr2-17781861-A-T. GRCh37 (hg19) VCF-style: chr2-17963128-A-T.
Other names: c.2649A>T (NM_001130009.1); c.2649A>T, p.Lys883Asn (NM_182625.5); short protein forms K883N.
Identifiers: ClinVar variation 962297 (VCV000962297.10), dbSNP rs1672857983, ClinGen allele CA345928522.

ClinVar aggregate classification (germline): Uncertain significance. Review status: criteria provided, multiple submitters, no conflicts (2 of 4 stars). 2 submissions from 2 submitters: Uncertain significance (2). Last evaluated 2024-12-02.

Submissions (2):

Ambry Genetics
Classification: Uncertain significance. Last evaluated: 2024-12-02. Review status: criteria provided, single submitter. Criteria: Ambry Variant Classification Scheme 2023. Collection method: clinical testing. Allele origin: germline.
Comment: The p.K883N variant (also known as c.2649A>T), located in coding exon 13 of the GEN1 gene, results from an A to T substitution at nucleotide position 2649. The lysine at codon 883 is replaced by asparagine, an amino acid with similar properties. This amino acid position is conserved. In addition, this alteration is predicted to be tolerated by in silico analysis. Based on the available evidence, the clinical significance of this variant remains unclear.

Labcorp Genetics (formerly Invitae), Labcorp
Classification: Uncertain significance. Last evaluated: 2024-02-12. Review status: criteria provided, single submitter. Criteria: Invitae Variant Classification Sherloc (09022015). Collection method: clinical testing. Allele origin: germline.
Comment: This sequence change replaces lysine, which is basic and polar, with asparagine, which is neutral and polar, at codon 883 of the GEN1 protein (p.Lys883Asn). This variant is not present in population databases (gnomAD no frequency). This variant has not been reported in the literature in individuals affected with GEN1-related conditions. ClinVar contains an entry for this variant (Variation ID: 962297). An algorithm developed to predict the effect of missense changes on protein structure and function (PolyPhen-2) suggests that this variant is likely to be tolerated. In summary, the available evidence is currently insufficient to determine the role of this variant in disease. Therefore, it has been classified as a Variant of Uncertain Significance.